The following is an entry in ClinVar:

ClinVar aggregate classification (germline): Benign (1 of 4 stars; one submission).

gnomAD v4.1: 16,736 of 1,614,126 alleles (1%); highest among the groups gnomAD compares: Non-Finnish European, 1.2%; 118 homozygotes.

Submission:

CeGaT Center for Human Genetics Tuebingen
Classification: Benign. Last evaluated: 2026-10-01. Review status: criteria provided, single submitter. Criteria: CeGaT Center For Human Genetics Tuebingen Variant Classification Criteria Version 2. Collection method: clinical testing. Allele origin: germline. Affected: yes. Observed: 3 variant alleles.
Comment: PDZD9: BP4, BS1, BS2

NM_001363519.1(PDZD9):c.646G>A (p.Val216Met)

Gene: PDZD9 (PDZ domain containing 9). Cytogenetic location: 16p12.2.
Variant type: single nucleotide variant.
Coding change: c.646G>A on transcript NM_001363519.1 (MANE Select); coding-DNA position 646, G replaced by A.
Protein change: p.Val216Met; replaces valine 216 with methionine.
Molecular consequence: missense variant.
Genome position (GRCh38, 1-based): chr16:21,984,416, C>T on the plus strand (G>A on the coding strand, the complement: PDZD9 is on the minus strand). VCF-style: chr16-21984416-C-T. GRCh37 (hg19) VCF-style: chr16-21995737-C-T.
Other names: c.460G>A, p.Val154Met (NM_001370530.1); c.466G>A, p.Val156Met (NM_173806.4); short protein forms V154M, V156M, V216M.
Identifiers: ClinVar variation 5041876 (VCV005041876.1).